The following is an entry in ClinVar:

NM_000142.5(FGFR3):c.485A>T (p.Lys162Met)

Gene: FGFR3 (fibroblast growth factor receptor 3; plus strand). Cytogenetic location: 4p16.3.
Variant type: single nucleotide variant.
Coding change: c.485A>T on transcript NM_000142.5 (MANE Select); coding-DNA position 485, A replaced by T.
Protein change: p.Lys162Met; replaces lysine 162 with methionine.
Molecular consequence: missense variant. On other transcripts: non-coding transcript variant (1).
Genome position (GRCh38, 1-based): chr4:1,801,406, A>T. VCF-style: chr4-1801406-A-T. GRCh37 (hg19) VCF-style: chr4-1803133-A-T.
Other names: c.485A>T, p.Lys162Met (NM_001163213.2, NM_001354809.2, NM_001354810.2 and 1 more transcripts); short protein forms K162M.
Identifiers: ClinVar variation 2631449 (VCV002631449.1), dbSNP rs1721157384, ClinGen allele CA355974904.

ClinVar aggregate classification (germline): Uncertain significance (1 of 4 stars; one submission).

Conditions:
FGFR3-related disorder. Also called: FGFR3-related disorders.

Submission:

PreventionGenetics, part of Exact Sciences
Classification: Uncertain significance for FGFR3-related condition. Last evaluated: 2023-07-03. Review status: criteria provided, single submitter. Criteria: ACMG Guidelines, 2015. Collection method: clinical testing. Allele origin: germline.
Comment: The FGFR3 c.485A>T variant is predicted to result in the amino acid substitution p.Lys162Met. To our knowledge, this variant has not been reported in the literature or in a large population database, indicating this variant is rare. At this time, the clinical significance of this variant is uncertain due to the absence of conclusive functional and genetic evidence.